The following is an entry in ClinVar:

NM_000157.4(GBA1):c.1226A>G (p.Asn409Ser)

Genes: GBA1 (glucosylceramidase beta 1; minus strand), LOC106627981 (GBA recombination region; plus strand). Cytogenetic location: 1q22.
Variant type: single nucleotide variant.
Coding change: c.1226A>G on transcript NM_000157.4 (MANE Select); coding-DNA position 1226, A replaced by G.
Protein change: p.Asn409Ser; replaces asparagine 409 with serine.
Molecular consequence: missense variant.
Genome position (GRCh38, 1-based): chr1:155,235,843, T>C on the plus strand (A>G on the coding strand, the complement: GBA1 is on the minus strand). VCF-style: chr1-155235843-T-C. GRCh37 (hg19) VCF-style: chr1-155205634-T-C.
Other names: N370S; c.1226A>G, p.Asn409Ser (NM_001005741.3, NM_001005742.3); c.965A>G, p.Asn322Ser (NM_001171811.2); c.1079A>G, p.Asn360Ser (NM_001171812.2); short protein forms N409S, N322S, N360S.
Identifiers: ClinVar variation 4290 (VCV000004290.146), dbSNP rs76763715, ClinGen allele CA116767.

ClinVar aggregate classification (germline): Pathogenic/Likely pathogenic; risk factor. Review status: criteria provided, multiple submitters, no conflicts (2 of 4 stars). 63 submissions from 53 submitters: Pathogenic (49); Likely pathogenic (4). 9 of the submissions do not count toward it. Last evaluated 2026-09-24.

Conditions:
GBA1-related disorders.
GBA-related disorder. Also called: GBA-related disorders.
autosomal dominant GBA1-related disorders.
GBA1-related disorder. Also called: GBA1-related condition.
Parkinson disease, late-onset (PD). Also called: Susceptibility to Parkinson's Disease; PARKINSON DISEASE, LATE-ONSET, SUSCEPTIBILITY TO; Hereditary late onset Parkinson disease. Identifiers: Orphanet 411602, MedGen C3160718, MONDO:0008199, OMIM 168600.
Lewy body dementia (DLB). Also called: Lewy Body Disease. Identifiers: MedGen C0752347, MONDO:0007488, OMIM 127750.
Gaucher disease-ophthalmoplegia-cardiovascular calcification syndrome. Also called: GAUCHER DISEASE, TYPE IIIC. Identifiers: Orphanet 2072, MedGen C1856476, MONDO:0009268, OMIM 231005.
Gaucher disease perinatal lethal. Also called: Gaucher disease collodion type; Gaucher Disease, Perinatal-Lethal Form. Identifiers: Orphanet 85212, MedGen C1842704, MONDO:0011945, OMIM 608013.
Gaucher disease type I (GD1). Also called: GAUCHER DISEASE, NONCEREBRAL JUVENILE; GBA DEFICIENCY; GD I; GLUCOCEREBROSIDASE DEFICIENCY; ACID BETA-GLUCOSIDASE DEFICIENCY; GD 1. Identifiers: Orphanet 355, Orphanet 77259, MedGen C1961835, MONDO:0009265, OMIM 230800.
Gaucher disease type II (GD2). Also called: GAUCHER DISEASE, ACUTE NEURONOPATHIC TYPE; GD II; Type 2 Gaucher disease (Acute; Infantile); Acute neuronopathic Gaucher's disease. Identifiers: Orphanet 77260, MedGen C0268250, MONDO:0009266, OMIM 230900.
Gaucher disease type III. Also called: GAUCHER DISEASE, CHRONIC NEURONOPATHIC TYPE; GAUCHER DISEASE, JUVENILE AND ADULT, CEREBRAL; GAUCHER DISEASE, SUBACUTE NEURONOPATHIC TYPE; GD III; Gaucher Disease, Type 3; Type 3 Gaucher disease (Subacute; Juvenile). Identifiers: Orphanet 355, Orphanet 77261, MedGen C0268251, MONDO:0009267, OMIM 231000.
Gaucher disease. Also called: Acute cerebral Gaucher disease; Cerebroside lipidosis syndrome; Gaucher splenomegaly; Sphingolipidosis 1; Glucocerebrosidosis; Glucosylceramidase deficiency. Identifiers: Orphanet 355, MedGen C0017205, MONDO:0018150.
Parkinson disease (PD). Identifiers: MedGen C0030567, MeSH D010300, MONDO:0005180.
Dementia, Lewy body, susceptibility to. Identifiers: MedGen C2676021.
Abnormal bleeding. Also called: Bleeding diathesis. Identifiers: MedGen C1458140, HP:0001892.
Thrombocytopenia. Identifiers: MedGen C0040034, MeSH D013921, MONDO:0002049, HP:0001873.
Akinesia. Identifiers: MedGen C0085623, HP:0002304.
Rigidity. Identifiers: MedGen C0026837, HP:0002063.

Allele frequency attached by ClinVar (database versions not stated): ExAC 0.00221; gnomAD exomes 0.00197 and 0.00231; TOPMed 0.00195; 1000 Genomes Project 0.00060; 1000 Genomes Project 30x 0.00062; gnomAD 0.00176 and 0.00191.
gnomAD v4.1: 3,223 of 1,613,914 alleles (0.2%); highest among the groups gnomAD compares: Non-Finnish European, 0.17%; 8 homozygotes.

Submissions 1 to 7 of 63:

PreventionGenetics, part of Exact Sciences
Classification: Pathogenic for GBA1-related condition. Last evaluated: 2026-09-24. Review status: criteria provided, single submitter. Criteria: ACMG Guidelines, 2015. Collection method: clinical testing. Allele origin: germline.
Comment: The GBA1 c.1226A>G variant is predicted to result in the amino acid substitution p.Asn409Ser. This variant (also known as N370S) has been documented to be causative for Gaucher disease in numerous studies, occurring in the homozygous or compound heterozygous state. In vitro functional studies indicated that this variant results in loss of enzyme activity (see for example, Tsuji et al. 1988. PubMed ID: 3353383; Sidransky et al. 2009. PubMed ID: 19846850). This variant is reported in 2.72% of alleles in individuals of Ashkenazi Jewish descent in gnomAD, including four homozygous individuals. This variant is classified as pathogenic for Gaucher disease. Of note, several studies have also identified this variant as a risk factor for Parkinson disease (Sidransky et al. 2009. PubMed ID: 19846850).

CeGaT Center for Human Genetics Tuebingen
Classification: Pathogenic. Last evaluated: 2026-08-01. Review status: criteria provided, single submitter. Criteria: CeGaT Center For Human Genetics Tuebingen Variant Classification Criteria Version 2. Collection method: clinical testing. Allele origin: germline. Affected: yes. Observed: 45 variant alleles.
Comment: GBA1: PM3:Strong, PP1:Strong, PS3, PM1, PM2:Supporting

Labcorp Genetics (formerly Invitae), Labcorp
Classification: Pathogenic. Last evaluated: 2026-01-26. Review status: criteria provided, single submitter. Criteria: Invitae Variant Classification Sherloc (09022015). Collection method: clinical testing. Allele origin: germline.
Comment: This sequence change replaces asparagine, which is neutral and polar, with serine, which is neutral and polar, at codon 409 of the GBA protein (p.Asn409Ser). This variant is present in population databases (rs76763715, gnomAD 2.7%), and has an allele count higher than expected for a pathogenic variant. This missense change has been observed in individuals with Gaucher disease or Parkinson disease (PMID: 23676350, 25249066, 26096741, 28779532). This variant is also known as p.Asn370Ser or N370S. ClinVar contains an entry for this variant (Variation ID: 4290). An algorithm developed to predict the effect of missense changes on protein structure and function (PolyPhen-2) suggests that this variant is likely to be tolerated. Experimental studies have shown that this missense change affects GBA function (PMID: 8294487, 22160715, 22592100). For these reasons, this variant has been classified as Pathogenic.

Variantyx, Inc.
Classification: Pathogenic for autosomal dominant GBA1-related disorders. Last evaluated: 2026-01-20. Review status: criteria provided, single submitter. Criteria: Variantyx Assertion Criteria 2022. Collection method: clinical testing. Allele origin: germline. Inheritance: Autosomal dominant inheritance. Affected: yes.
Comment: This is a nonsynonymous variant in the GBA1 gene (OMIM: 606463). Pathogenic variants in this gene have been associated with autosomal dominant GBA1-related disorders (rick factor). The frequency of this variant in affected individuals is significantly increased compared to controls (PMID: 23676350, 25249066, 28779532, 26096741) (PS4). Functional studies have shown that this variant alters GBA protein function (PMID: 22592100, 8294487, 22160715) (PS3), and multiple computational algorithms predict a deleterious effect for this variant (REVEL score: 0.673) (PP3). This variant has a 0.1728% maximum allele frequency in non-founder control populations. Based on the current evidence, this variant is classified as pathogenic for autosomal dominant GBA1-related disorders (risk factor).

Natera, Inc.
Classification: Pathogenic for Gaucher disease. Last evaluated: 2025-10-27. Review status: criteria provided, single submitter. Criteria: Natera Variant Classification Schema (03/2026). Collection method: clinical testing. Allele origin: germline.
Comment: The c.1226A>G variant in GBA1 is a missense variant predicted to cause substitution of asparagine to serine at amino acid 409. This variant has been observed in one or more individuals affected with the associated recessive disease, as either homozygous or compound heterozygous with a second variant (PMID: 29920646). Additionally, this variant has been observed to segregate in affected family members (PMID: 29920646). Given the available evidence, this variant is classified as Pathogenic.

Rady Children's Institute for Genomic Medicine, Rady Children's Hospital San Diego
Classification: Pathogenic for GBA1-related disorders. Last evaluated: 2025-08-01. Review status: criteria provided, single submitter. Criteria: ACMG Guidelines, 2015. Collection method: clinical testing. Allele origin: germline. Affected: yes.
Comment: This variant is also known in literature as p.Asn370Ser (PMID: 23588557). The c.1226A>G (p.Asn409Ser) variant affects a moderately conserved amino acid and is predicted by multiple in silico tools to have a deleterious effect on protein. This variant has been previously reported as a homozygous and compound heterozygous change in patients with Gaucher disease and correlates with a non-neuropathic phenotype (PMID: 3353383, 26096741, 25558695). The variant has also been reported as a heterozygous change in individuals with Parkinson disease (PMID: 21745757, 25249066). Functional studies demonstrate that this variant leads to reduced glucosylceramidase activity (PMID: 22592100, 8294487, 22160715). The c.1226A>G (p.Asn409Ser) variant is present in the latest version of the gnomAD population database at an allele frequency of 0.2% (3223/1613914), including 8 homozygous individuals. The frequency data for variants in the GBA1 gene in population databases may be unreliable due to the presence of pseudogenes and paralogs (PMID: 20301446). Based on the available evidence, c.1226A>G (p.Asn409Ser) is classified as Pathogenic.

Greenwood Genetic Center Diagnostic Laboratories, Greenwood Genetic Center
Classification: Pathogenic for GBA1-related disorder. Last evaluated: 2025-06-05. Review status: criteria provided, single submitter. Criteria: ACMG Guidelines, 2015. Collection method: clinical testing. Allele origin: germline. Affected: yes.
Comment: PS3, PM3_Strong